The following is an entry in ClinVar:

ClinVar aggregate classification (germline): Uncertain significance (1 of 4 stars; one submission).

Conditions:
Hereditary spherocytosis type 1. Also called: Spherocytosis type 1; ANK1-Related Spherocytosis. Identifiers: Orphanet 822, MedGen C2674218, MONDO:0008447, OMIM 182900.

Submission:

ARUP Laboratories, Molecular Genetics and Genomics, ARUP Laboratories
Classification: Uncertain significance for Hereditary spherocytosis type 1. Last evaluated: 2025-01-18. Review status: criteria provided, single submitter. Criteria: ARUP Molecular Germline Variant Investigation Process 2024. Collection method: clinical testing. Allele origin: germline.
Comment: The ANK1 c.27+5G>C variant is reported in the literature in an individual affected with hereditary spherocytosis (Nakanishi 2001). This variant is absent from the Genome Aggregation Database (v2.1.1), indicating it is not a common polymorphism. This is an intronic variant and computational analyses (Alamut Visual Plus v.1.11) predict that this variant may impact splicing by weakening the nearby canonical donor splice site. However, given the limited clinical data and lack of functional data, the significance of this variant is uncertain at this time. References: Nakanishi H et al. Ankyrin gene mutations in japanese patients with hereditary spherocytosis. Int J Hematol. 2001 Jan;73(1):54-63. PMID: 11372755.

NM_000037.4(ANK1):c.27+5G>C

Gene: ANK1 (ankyrin 1; minus strand). Cytogenetic location: 8p11.21.
Variant type: single nucleotide variant.
Coding change: c.27+5G>C on transcript NM_000037.4 (MANE Select); 5 bases into the intron after coding-DNA position 27, G replaced by C.
Molecular consequence: intron variant.
Genome position (GRCh38, 1-based): chr8:41,797,507, C>G on the plus strand (G>C on the coding strand, the complement: ANK1 is on the minus strand). VCF-style: chr8-41797507-C-G. GRCh37 (hg19) VCF-style: chr8-41655025-C-G.
Other names: c.127-39370G>C (NM_001142446.2); c.27+5G>C (NM_020477.3, NM_020475.3, NM_020476.3).
Identifiers: ClinVar variation 4686071 (VCV004686071.1).